The following is an entry in ClinVar:

ClinVar aggregate classification (germline): Pathogenic (1 of 4 stars; one submission).

Submission:

ISCA Site 6
Classification: Pathogenic. Last evaluated: 2011-08-12. Review status: criteria provided, single submitter. Criteria: Kaminsky et al. (Genet Med. 2011). Collection method: clinical testing. Allele origin: de novo. Affected: yes. Observed: 1 variant allele.
Comment: Copy number variation identified through the course of routine clinical cytogenomic testing in postnatal populations. Clinical assertions have been curated as described in Kaminsky et al. 2011.

GRCh38/hg38 17p11.2(chr17:16713514-20582527)x3

Genes: AKAP10 (A-kinase anchoring protein 10; minus strand), ALDH3A1 (aldehyde dehydrogenase 3 family member A1; minus strand), ALDH3A2 (aldehyde dehydrogenase 3 family member A2; plus strand), ALKBH5 (alkB homolog 5, RNA demethylase; plus strand), ATPAF2 (ATP synthase mitochondrial F1 complex assembly factor 2; minus strand) and 250 more. Cytogenetic location: 17p11.2.
Variant type: copy number gain.
Change: copy number 3 (three copies instead of two) of chr17:16,713,514-20,582,527 (3.87 Mb, GRCh38 coordinates, 1-based), cytogenetic band 17p11.2.
Identifiers: ClinVar variation 58115 (VCV000058115.2).